The following is an entry in ClinVar:

ClinVar aggregate classification (germline): Uncertain significance (1 of 4 stars; one submission).

gnomAD v4.1: 1 of 1,608,980 alleles (0.000062%); highest among the groups gnomAD compares: Non-Finnish European, 0.000085%; no homozygotes.

Submission:

Women's Health and Genetics/Laboratory Corporation of America, LabCorp
Classification: Uncertain significance. Last evaluated: 2025-02-20. Review status: criteria provided, single submitter. Criteria: LabCorp Variant Classification Summary - May 2015. Collection method: clinical testing. Allele origin: germline.
Comment: Variant summary: KMT2E c.484C>T (p.Arg162Cys) results in a non-conservative amino acid change located in the Zinc finger, PHD-finger domain (IPR019787) of the encoded protein sequence. Three of five in-silico tools predict a damaging effect of the variant on protein function. The variant was absent in 251288 control chromosomes (gnomAD). The available data on variant occurrences in the general population are insufficient to allow any conclusion about variant significance. To our knowledge, no occurrence of c.484C>T in individuals affected with O'Donnell-Luria-Rodan Syndrome and no experimental evidence demonstrating its impact on protein function have been reported. No submitters have cited clinical-significance assessments for this variant to ClinVar. Based on the evidence outlined above, the variant was classified as uncertain significance.

NM_182931.3(KMT2E):c.484C>T (p.Arg162Cys)

Gene: KMT2E (lysine methyltransferase 2E (inactive); plus strand). Cytogenetic location: 7q22.3.
Variant type: single nucleotide variant.
Coding change: c.484C>T on transcript NM_182931.3 (MANE Select); coding-DNA position 484, C replaced by T.
Protein change: p.Arg162Cys; replaces arginine 162 with cysteine.
Molecular consequence: missense variant.
Genome position (GRCh38, 1-based): chr7:105,066,794, C>T. VCF-style: chr7-105066794-C-T. GRCh37 (hg19) VCF-style: chr7-104707241-C-T.
Other names: c.484C>T, p.Arg162Cys (NM_001410908.1, NM_018682.4); short protein forms R162C.
Identifiers: ClinVar variation 3768907 (VCV003768907.1).